The following is an entry in ClinVar:

ClinVar aggregate classification (germline): Conflicting classifications of pathogenicity. Review status: criteria provided, conflicting classifications (1 of 4 stars). 8 submissions from 5 submitters: Uncertain significance (3); Benign (1); Likely benign (3). 1 of the submissions does not count toward it. Last evaluated 2026-01-01.

Conditions:
Stargardt disease 4 (STGD4). Identifiers: Orphanet 827, MedGen C1863534, MONDO:0011370, OMIM 603786.
Retinitis pigmentosa (RP). Identifiers: Orphanet 791, MedGen C0035334, MeSH D012174, MONDO:0019200, OMIM 268000. Inheritance: Autosomal dominant, autosomal recessive and X linked inheritance.
PROM1-related disorder. Also called: PROM1-related disorders; PROM1-related condition.
Retinal dystrophy. Also called: Inherited retinal dystrophy. Identifiers: Orphanet 71862, MedGen C0854723, MeSH D058499, MONDO:0019118, HP:0000556.
Cone-rod dystrophy 12 (CORD12). Identifiers: Orphanet 1872, MedGen C2675210, MONDO:0012983, OMIM 612657.
Retinal macular dystrophy type 2 (MCDR2). Also called: Bull's eye macular dystrophy. Identifiers: Orphanet 319640, MedGen C4749334, MONDO:0011957, OMIM 608051.

Allele frequency attached by ClinVar (database versions not stated): TOPMed 0.00022; gnomAD 0.00023 and 0.00026; ExAC 0.00034; ESP Exome Variant Server 0.00040; gnomAD exomes 0.00048.

Submissions (8):

Labcorp Genetics (formerly Invitae), Labcorp
Classification: Benign. Last evaluated: 2026-01-01. Review status: criteria provided, single submitter. Criteria: Invitae Variant Classification Sherloc (09022015). Collection method: clinical testing. Allele origin: germline.

Blueprint Genetics
Classification: Likely benign. Last evaluated: 2024-03-28. Review status: criteria provided, single submitter. Criteria: ACMG Guidelines, 2015. Collection method: clinical testing. Allele origin: germline.

Dept Of Ophthalmology, Nagoya University
Classification: Uncertain significance for Retinal dystrophy. Last evaluated: 2023-10-01. Review status: criteria provided, single submitter. Criteria: Submitter's publication. Collection method: research. Allele origin: germline. Affected: yes.

Illumina Laboratory Services, Illumina
Classification: Likely benign for Stargardt disease 4. Last evaluated: 2018-01-12. Review status: criteria provided, single submitter. Criteria: ICSL Variant Classification Criteria 13 December 2019. Collection method: clinical testing. Allele origin: germline.
Comment: This variant was observed in the ICSL laboratory as part of a predisposition screen in an ostensibly healthy population. It had not been previously curated by ICSL or reported in the Human Gene Mutation Database (HGMD: prior to June 1st, 2018), and was therefore a candidate for classification through an automated scoring system. Utilizing variant allele frequency, disease prevalence and penetrance estimates, and inheritance mode, an automated score was calculated to assess if this variant is too frequent to cause the disease. Based on the score and internal cut-off values, a variant classified as likely benign is not then subjected to further curation. The score for this variant resulted in a classification of likely benign for this disease.

Illumina Laboratory Services, Illumina
Classification: Uncertain significance for Retinal macular dystrophy type 2. Last evaluated: 2018-01-12. Review status: criteria provided, single submitter. Criteria: ICSL Variant Classification Criteria 13 December 2019. Collection method: clinical testing. Allele origin: germline.

Illumina Laboratory Services, Illumina
Classification: Likely benign for Cone-rod dystrophy 12. Last evaluated: 2018-01-12. Review status: criteria provided, single submitter. Criteria: ICSL Variant Classification Criteria 13 December 2019. Collection method: clinical testing. Allele origin: germline.
Comment: the same text as in the submission from Illumina Laboratory Services, Illumina above.

Illumina Laboratory Services, Illumina
Classification: Uncertain significance for Retinitis pigmentosa. Last evaluated: 2018-01-12. Review status: criteria provided, single submitter. Criteria: ICSL Variant Classification Criteria 13 December 2019. Collection method: clinical testing. Allele origin: germline.

PreventionGenetics, part of Exact Sciences
Classification: Benign for PROM1-related condition. Last evaluated: 2019-07-22. Review status: no assertion criteria provided. Collection method: clinical testing. Allele origin: germline. Not counted in ClinVar's aggregate classification.
Comment: This variant is classified as benign based on ACMG/AMP sequence variant interpretation guidelines (Richards et al. 2015 PMID: 25741868, with internal and published modifications).

NM_006017.3(PROM1):c.963G>T (p.Leu321Phe)

Gene: PROM1 (prominin 1; minus strand). Cytogenetic location: 4p15.32.
Variant type: single nucleotide variant.
Coding change: c.963G>T on transcript NM_006017.3 (MANE Select); coding-DNA position 963, G replaced by T.
Protein change: p.Leu321Phe; replaces leucine 321 with phenylalanine.
Molecular consequence: missense variant.
Genome position (GRCh38, 1-based): chr4:16,018,362, C>A on the plus strand (G>T on the coding strand, the complement: PROM1 is on the minus strand). VCF-style: chr4-16018362-C-A. GRCh37 (hg19) VCF-style: chr4-16019985-C-A.
Other names: c.936G>T, p.Leu312Phe (NM_001145847.2, NM_001145848.2, NM_001145851.2 and 4 more transcripts); c.963G>T, p.Leu321Phe (NM_001145849.2, NM_001145850.2); short protein forms L321F, L312F.
Identifiers: ClinVar variation 347997 (VCV000347997.16), dbSNP rs202041422, ClinGen allele CA2866910.
Genomic context (GRCh38, chr4:16,018,362, plus strand): 5'-GGCAAGCTCATGCCTGCTCACCTGCCTCAGTTCAGGGTTGCTATTCAGCTGGCTTAGAGA[C>A]AATCTGATGCTGTTGCAGGTTTCACTTGATGGATGCACCAAGCACAGAGGGTCATTGAGA-3'
Protein context (NP_006008.1, residues 311-331): PSSETCNSIR[Leu321Phe]SLSQLNSNPE